The following is an entry in ClinVar:

NM_001079.4(ZAP70):c.239C>A (p.Pro80Gln)

Gene: ZAP70 (zeta chain of T cell receptor associated protein kinase 70; plus strand). Cytogenetic location: 2q11.2.
Variant type: single nucleotide variant.
Coding change: c.239C>A on transcript NM_001079.4 (MANE Select); coding-DNA position 239, C replaced by A.
Protein change: p.Pro80Gln; replaces proline 80 with glutamine.
Molecular consequence: missense variant.
Genome position (GRCh38, 1-based): chr2:97,724,275, C>A. VCF-style: chr2-97724275-C-A. GRCh37 (hg19) VCF-style: chr2-98340738-C-A.
Other names: c.239C>A, p.Pro80Gln (NM_001378594.1); short protein forms P80Q.
Identifiers: ClinVar variation 38914 (VCV000038914.11), dbSNP rs113994172, ClinGen allele CA343167.

ClinVar aggregate classification (germline): Uncertain significance. Review status: criteria provided, single submitter (1 of 4 stars). 2 submissions from 2 submitters: Uncertain significance (1). 1 of the submissions does not count toward it. Last evaluated 2021-07-08.

Conditions:
Combined immunodeficiency due to ZAP70 deficiency (IMD48). Also called: Immunodeficiency 48; ZAP70 Deficiency. Identifiers: Orphanet 911, MedGen C2931299, MONDO:0010023, OMIM 269840.

Submissions (2):

Labcorp Genetics (formerly Invitae), Labcorp
Classification: Uncertain significance for Combined immunodeficiency due to ZAP70 deficiency. Last evaluated: 2021-07-08. Review status: criteria provided, single submitter. Criteria: Invitae Variant Classification Sherloc (09022015). Collection method: clinical testing. Allele origin: germline.
Comment: In summary, the available evidence is currently insufficient to determine the role of this variant in disease. Therefore, it has been classified as a Variant of Uncertain Significance. Experimental studies have shown that this variant affects ZAP70 protein function (PMID: 10574909). Algorithms developed to predict the effect of missense changes on protein structure and function are either unavailable or do not agree on the potential impact of this missense change (SIFT: "Not Available"; PolyPhen-2: "Probably Damaging"; Align-GVGD: "Not Available"). ClinVar contains an entry for this variant (Variation ID: 38914). This variant is also known as 448C>A. This variant has been observed in individual(s) with CD8 deficiency (PMID: 10574909). This variant is not present in population databases (ExAC no frequency). This sequence change replaces proline with glutamine at codon 80 of the ZAP70 protein (p.Pro80Gln). The proline residue is moderately conserved and there is a moderate physicochemical difference between proline and glutamine.

GeneReviews
No classification provided. Condition: Combined immunodeficiency due to ZAP70 deficiency. Review status: no classification provided. Collection method: literature only. Allele origin: germline. Not counted in ClinVar's aggregate classification.

Literature cited by the submitters: PubMed 10574909 (cited by Labcorp Genetics (formerly Invitae), Labcorp); NCBI Bookshelf NBK20221 (cited by GeneReviews); PubMed 20301777 (cited by GeneReviews).